The following is an entry in ClinVar:

ClinVar aggregate classification (germline): Uncertain significance. Review status: criteria provided, multiple submitters, no conflicts (2 of 4 stars). 3 submissions from 3 submitters: Uncertain significance (3). Last evaluated 2025-11-26.

Conditions:
Inborn genetic diseases. Identifiers: MedGen C0950123, MeSH D030342.

Allele frequency attached by ClinVar (database versions not stated): gnomAD 0.00003 and 0.00004; gnomAD exomes 0.00003; ExAC 0.00011; TOPMed 0.00012.
gnomAD v4.1: 15 of 1,532,530 alleles (0.00098%); highest among the groups gnomAD compares: African/African-American, 0.018%; no homozygotes.

Submissions (3):

Ambry Genetics
Classification: Uncertain significance for Inborn genetic diseases. Last evaluated: 2025-11-26. Review status: criteria provided, single submitter. Criteria: Ambry Variant Classification Scheme 2023. Collection method: clinical testing. Allele origin: germline.

Labcorp Genetics (formerly Invitae), Labcorp
Classification: Uncertain significance. Last evaluated: 2023-10-04. Review status: criteria provided, single submitter. Criteria: Invitae Variant Classification Sherloc (09022015). Collection method: clinical testing. Allele origin: germline.
Comment: This sequence change replaces tyrosine, which is neutral and polar, with histidine, which is basic and polar, at codon 304 of the PIEZO2 protein (p.Tyr304His). This variant is present in population databases (rs751565062, gnomAD 0.02%). This variant has not been reported in the literature in individuals affected with PIEZO2-related conditions. ClinVar contains an entry for this variant (Variation ID: 497521). Advanced modeling of protein sequence and biophysical properties (such as structural, functional, and spatial information, amino acid conservation, physicochemical variation, residue mobility, and thermodynamic stability) performed at Invitae indicates that this missense variant is not expected to disrupt PIEZO2 protein function. In summary, the available evidence is currently insufficient to determine the role of this variant in disease. Therefore, it has been classified as a Variant of Uncertain Significance.

Eurofins Ntd Llc (ga)
Classification: Uncertain significance. Last evaluated: 2016-10-19. Review status: criteria provided, single submitter. Criteria: EGL Classification Definitions 2015. Collection method: clinical testing. Allele origin: germline. Observed: 2 variant alleles, 2 heterozygotes.

NM_001378183.1(PIEZO2):c.910T>C (p.Tyr304His)

Gene: PIEZO2 (piezo type mechanosensitive ion channel component 2; minus strand). Cytogenetic location: 18p11.22.
Variant type: single nucleotide variant.
Coding change: c.910T>C on transcript NM_001378183.1 (MANE Select); coding-DNA position 910, T replaced by C.
Protein change: p.Tyr304His; replaces tyrosine 304 with histidine.
Molecular consequence: missense variant.
Genome position (GRCh38, 1-based): chr18:10,855,360, A>G on the plus strand (T>C on the coding strand, the complement: PIEZO2 is on the minus strand). VCF-style: chr18-10855360-A-G. GRCh37 (hg19) VCF-style: chr18-10855358-A-G.
Other names: c.910T>C, p.Tyr304His (NM_022068.4); c.910T>C (NM_022068.2); short protein forms Y304H.
Identifiers: ClinVar variation 497521 (VCV000497521.11), dbSNP rs751565062, ClinGen allele CA8892804.